The following is an entry in ClinVar:

NM_003055.3(SLC18A3):c.530C>T (p.Thr177Met)

Genes: CHAT (choline O-acetyltransferase; plus strand), SLC18A3 (solute carrier family 18 member A3; plus strand). Cytogenetic location: 10q11.23.
Variant type: single nucleotide variant.
Coding change: c.530C>T on transcript NM_003055.3 (MANE Select); coding-DNA position 530, C replaced by T.
Protein change: p.Thr177Met; replaces threonine 177 with methionine.
Molecular consequence: missense variant. On other transcripts: intron variant (1).
Genome position (GRCh38, 1-based): chr10:49,611,270, C>T. VCF-style: chr10-49611270-C-T. GRCh37 (hg19) VCF-style: chr10-50819316-C-T.
Other names: c.-69+2071C>T (NM_020984.4); short protein forms T177M.
Identifiers: ClinVar variation 1945562 (VCV001945562.3), dbSNP rs144777033, ClinGen allele CA5496780.

ClinVar aggregate classification (germline): Uncertain significance (1 of 4 stars; one submission).

Allele frequency attached by ClinVar (database versions not stated): ESP Exome Variant Server 0.00015; 1000 Genomes Project 0.00020; 1000 Genomes Project 30x 0.00031; gnomAD 0.00001; TOPMed 0.00003.
gnomAD v4.1: 4 of 1,611,810 alleles (0.00025%); highest among the groups gnomAD compares: African/African-American, 0.004%; no homozygotes.

Submission:

Labcorp Genetics (formerly Invitae), Labcorp
Classification: Uncertain significance. Last evaluated: 2024-11-19. Review status: criteria provided, single submitter. Criteria: Invitae Variant Classification Sherloc (09022015). Collection method: clinical testing. Allele origin: germline.
Comment: This sequence change replaces threonine, which is neutral and polar, with methionine, which is neutral and non-polar, at codon 177 of the SLC18A3 protein (p.Thr177Met). The frequency data for this variant in the population databases is considered unreliable, as metrics indicate poor data quality at this position in the gnomAD database. This variant has not been reported in the literature in individuals affected with SLC18A3-related conditions. ClinVar contains an entry for this variant (Variation ID: 1945562). Invitae Evidence Modeling of protein sequence and biophysical properties (such as structural, functional, and spatial information, amino acid conservation, physicochemical variation, residue mobility, and thermodynamic stability) indicates that this missense variant is not expected to disrupt SLC18A3 protein function with a negative predictive value of 80%. In summary, the available evidence is currently insufficient to determine the role of this variant in disease. Therefore, it has been classified as a Variant of Uncertain Significance.